The following is an entry in ClinVar:

NM_004304.5(ALK):c.1274G>A (p.Cys425Tyr)

Gene: ALK (ALK receptor tyrosine kinase; minus strand). Cytogenetic location: 2p23.2.
Variant type: single nucleotide variant.
Coding change: c.1274G>A on transcript NM_004304.5 (MANE Select); coding-DNA position 1274, G replaced by A.
Protein change: p.Cys425Tyr; replaces cysteine 425 with tyrosine.
Molecular consequence: missense variant.
Genome position (GRCh38, 1-based): chr2:29,383,740, C>T on the plus strand (G>A on the coding strand, the complement: ALK is on the minus strand). VCF-style: chr2-29383740-C-T. GRCh37 (hg19) VCF-style: chr2-29606606-C-T.
Other names: short protein forms C425Y.
Identifiers: ClinVar variation 1018963 (VCV001018963.8), dbSNP rs1318224093, ClinGen allele CA346585038.
Genomic context (GRCh38, chr2:29,383,740, plus strand): 5'-ACATCTAACACAATAGGCTACCAAGGAGCGTGGGAAAGCCAGATTCAGATACCTTCACTG[C>T]AGTTCTTCAGGGCAAAGAAGTCCACTGCAGACAAGCTGCGGTTTCCACTGGAGATGTATT-3'
Protein context (NP_004295.2, residues 415-435): SAVDFFALKN[Cys425Tyr]SEGTSPGSKM

ClinVar aggregate classification (germline): Uncertain significance (1 of 4 stars; one submission).

Conditions:
Neuroblastoma, susceptibility to, 3. Also called: ALK-Related Neuroblastic Tumor Susceptibility. Identifiers: Orphanet 635, MedGen C2751681, MONDO:0013083, OMIM 613014.

Submission:

Labcorp Genetics (formerly Invitae), Labcorp
Classification: Uncertain significance for Neuroblastoma, susceptibility to, 3. Last evaluated: 2020-09-23. Review status: criteria provided, single submitter. Criteria: Invitae Variant Classification Sherloc (09022015). Collection method: clinical testing. Allele origin: germline.
Comment: In summary, the available evidence is currently insufficient to determine the role of this variant in disease. Therefore, it has been classified as a Variant of Uncertain Significance. Algorithms developed to predict the effect of missense changes on protein structure and function are either unavailable or do not agree on the potential impact of this missense change (SIFT: "Deleterious"; PolyPhen-2: "Probably Damaging"; Align-GVGD: "Class C0"). This variant has not been reported in the literature in individuals with ALK-related conditions. This variant is not present in population databases (ExAC no frequency). This sequence change replaces cysteine with tyrosine at codon 425 of the ALK protein (p.Cys425Tyr). The cysteine residue is highly conserved and there is a large physicochemical difference between cysteine and tyrosine.